The following is an entry in ClinVar:

NM_001267550.2(TTN):c.31528A>G (p.Lys10510Glu)

Gene: TTN (titin; minus strand). Cytogenetic location: 2q31.2.
Variant type: single nucleotide variant.
Coding change: c.31528A>G on transcript NM_001267550.2 (MANE Select); coding-DNA position 31528, A replaced by G.
Protein change: p.Lys10510Glu; replaces lysine 10510 with glutamic acid.
Molecular consequence: missense variant. On other transcripts: intron variant (3).
Genome position (GRCh38, 1-based): chr2:178,693,675, T>C on the plus strand (A>G on the coding strand, the complement: TTN is on the minus strand). VCF-style: chr2-178693675-T-C. GRCh37 (hg19) VCF-style: chr2-179558402-T-C.
Other names: c.30577A>G, p.Lys10193Glu (NM_001256850.1); c.27796A>G, p.Lys9266Glu (NM_133378.4); c.13282+44407A>G (NM_003319.4); c.13858+44407A>G (NM_133437.4); c.13657+44407A>G (NM_133432.3); short protein forms K10193E, K10510E, K9266E.
Identifiers: ClinVar variation 4529829 (VCV004529829.1).

ClinVar aggregate classification (germline): Uncertain significance (1 of 4 stars; one submission).

gnomAD v4.1: 1 of 1,599,254 alleles (0.000063%); highest among the groups gnomAD compares: East Asian, 0.0022%; no homozygotes.

Submission:

GeneDx
Classification: Uncertain significance. Last evaluated: 2025-05-14. Review status: criteria provided, single submitter. Criteria: GeneDx Variant Classification Process June 2021. Collection method: clinical testing. Allele origin: germline. Affected: yes.
Comment: Not observed at significant frequency in large population cohorts (gnomAD); Missense variant in a gene in which most reported pathogenic variants are truncating/loss of function; Has not been previously published as pathogenic or benign to our knowledge